The following is an entry in ClinVar:

ClinVar aggregate classification (germline): Uncertain significance. Review status: criteria provided, multiple submitters, no conflicts (2 of 4 stars). 4 submissions from 4 submitters: Uncertain significance (2). 2 of the submissions do not count toward it. Last evaluated 2025-09-03.

Conditions:
Amyotrophic lateral sclerosis type 1 (ALS1). Also called: AMYOTROPHIC LATERAL SCLEROSIS 1, FAMILIAL. Identifiers: Orphanet 803, MedGen C1862939, MONDO:0007103, OMIM 105400.
Neuronopathy, distal hereditary motor, type 7B. Also called: HMN VIIB; LOWER MOTOR NEURON DISEASE, DYNACTIN TYPE; NEURONOPATHY, DISTAL HEREDITARY MOTOR, AUTOSOMAL DOMINANT 14; NEURONOPATHY, DISTAL HEREDITARY MOTOR, HARDING TYPE VIIB; NEUROPATHY, DISTAL HEREDITARY MOTOR, HARDING TYPE VIIB; NEUROPATHY, DISTAL HEREDITARY MOTOR, WITH VOCAL CORD PARALYSIS, HARDING TYPE VIIB. Identifiers: Orphanet 139589, MedGen C1843315, MONDO:0011879, OMIM 607641.
Perry syndrome. Also called: PARKINSONISM WITH ALVEOLAR HYPOVENTILATION AND MENTAL DEPRESSION. Identifiers: Orphanet 178509, MedGen C1868594, MONDO:0008201, OMIM 168605.

Allele frequency attached by ClinVar (database versions not stated): gnomAD 0.00002; TOPMed 0.00002; gnomAD exomes 0.00003.
gnomAD v4.1: 40 of 1,613,858 alleles (0.0025%); highest among the groups gnomAD compares: Non-Finnish European, 0.003%; no homozygotes.

Submissions (4):

GeneDx
Classification: Uncertain significance. Last evaluated: 2025-09-03. Review status: criteria provided, single submitter. Criteria: GeneDx Variant Classification Process June 2021. Collection method: clinical testing. Allele origin: germline.
Comment: Not observed at significant frequency in large population cohorts (gnomAD); In silico analysis suggests that this missense variant does not alter protein structure/function; Has not been previously published as pathogenic or benign to our knowledge

Labcorp Genetics (formerly Invitae), Labcorp
Classification: Uncertain significance for Amyotrophic lateral sclerosis type 1; Neuronopathy, distal hereditary motor, type 7B; Perry syndrome. Last evaluated: 2021-03-27. Review status: criteria provided, single submitter. Criteria: Invitae Variant Classification Sherloc (09022015). Collection method: clinical testing. Allele origin: germline.
Comment: This variant has not been reported in the literature in individuals with DCTN1-related disease. This variant is not present in population databases (ExAC no frequency). This sequence change replaces serine with leucine at codon 1182 of the DCTN1 protein (p.Ser1182Leu). The serine residue is highly conserved and there is a large physicochemical difference between serine and leucine. Algorithms developed to predict the effect of missense changes on protein structure and function are either unavailable or do not agree on the potential impact of this missense change (SIFT: "Deleterious"; PolyPhen-2: "Benign"; Align-GVGD: "Class C25"). In summary, the available evidence is currently insufficient to determine the role of this variant in disease. Therefore, it has been classified as a Variant of Uncertain Significance.

Clinical Genetics, Academic Medical Center
Classification: Uncertain significance. Review status: no assertion criteria provided. Collection method: clinical testing. Allele origin: germline. Affected: yes. Study: VKGL Data-share Consensus. Not counted in ClinVar's aggregate classification.

Joint Genome Diagnostic Labs from Nijmegen and Maastricht, Radboudumc and MUMC+
Classification: Uncertain significance. Review status: no assertion criteria provided. Collection method: clinical testing. Allele origin: germline. Affected: yes. Study: VKGL Data-share Consensus. Not counted in ClinVar's aggregate classification.

NM_004082.5(DCTN1):c.3545C>T (p.Ser1182Leu)

Gene: DCTN1 (dynactin subunit 1; minus strand). Cytogenetic location: 2p13.1.
Variant type: single nucleotide variant.
Coding change: c.3545C>T on transcript NM_004082.5 (MANE Select); coding-DNA position 3545, C replaced by T.
Protein change: p.Ser1182Leu; replaces serine 1182 with leucine.
Molecular consequence: missense variant. On other transcripts: non-coding transcript variant (1).
Genome position (GRCh38, 1-based): chr2:74,362,714, G>A on the plus strand (C>T on the coding strand, the complement: DCTN1 is on the minus strand). VCF-style: chr2-74362714-G-A. GRCh37 (hg19) VCF-style: chr2-74589841-G-A.
Other names: c.3470C>T, p.Ser1157Leu (NM_001135040.3); c.3128C>T, p.Ser1043Leu (NM_001135041.3); c.3419C>T, p.Ser1140Leu (NM_001190836.2); c.3524C>T, p.Ser1175Leu (NM_001190837.2); c.3494C>T, p.Ser1165Leu (NM_001378991.1); c.3476C>T, p.Ser1159Leu (NM_001378992.1); c.3143C>T, p.Ser1048Leu (NM_023019.4); short protein forms S1157L, S1182L, S1048L, S1140L, S1175L, S1043L, S1159L, S1165L.
Identifiers: ClinVar variation 661256 (VCV000661256.15), dbSNP rs975026607, ClinGen allele CA50474151.